The following is an entry in ClinVar:

ClinVar aggregate classification (germline): Likely benign (1 of 4 stars; one submission).

Allele frequency attached by ClinVar (database versions not stated): 1000 Genomes Project 30x 0.00031; 1000 Genomes Project 0.00040.
gnomAD v4.1: 107 of 1,612,748 alleles (0.0066%); highest among the groups gnomAD compares: South Asian, 0.054%; no homozygotes.

Submission:

CeGaT Center for Human Genetics Tuebingen
Classification: Likely benign. Last evaluated: 2024-04-01. Review status: criteria provided, single submitter. Criteria: CeGaT Center For Human Genetics Tuebingen Variant Classification Criteria Version 2. Collection method: clinical testing. Allele origin: germline. Affected: yes. Observed: 1 variant allele.
Comment: DDX6: BP4

NM_004397.6(DDX6):c.865-4C>G

Gene: DDX6 (DEAD-box helicase 6; minus strand). Cytogenetic location: 11q23.3.
Variant type: single nucleotide variant.
Coding change: c.865-4C>G on transcript NM_004397.6 (MANE Select); 4 bases into the intron before coding-DNA position 865, C replaced by G.
Molecular consequence: intron variant.
Genome position (GRCh38, 1-based): chr11:118,758,906, G>C on the plus strand (C>G on the coding strand, the complement: DDX6 is on the minus strand). VCF-style: chr11-118758906-G-C. GRCh37 (hg19) VCF-style: chr11-118629615-G-C.
Other names: c.865-4C>G (NM_001257191.3).
Identifiers: ClinVar variation 3234411 (VCV003234411.20), dbSNP rs187477392, ClinGen allele CA6308412.